The following is an entry in ClinVar:

NM_001174089.2(SLC4A11):c.1742+24_1757del

Gene: SLC4A11 (solute carrier family 4 member 11; minus strand). Cytogenetic location: 20p13.
Variant type: Deletion.
Coding change: c.1742+24_1757del on transcript NM_001174089.2 (MANE Select); 24 bases into the intron after coding-DNA position 1742 through coding-DNA position 1757, 63 bases deleted.
Molecular consequence: splice acceptor variant.
Genome position (GRCh38, 1-based): chr20:3,229,438-3,229,500, 63 bases deleted. GRCh37 (hg19): chr20:3,210,084-3,210,146.
Other names: c.1685+24_1700del (NM_001400277.1, NM_001400278.1, NM_001400279.1); c.1628+24_1643del (NM_001363745.2); c.1757+24_1772del (NM_001400280.1); c.1871+24_1886del (NM_001174090.2); c.1790+24_1805del (NM_032034.4).
Identifiers: ClinVar variation 4061858 (VCV004061858.2).

ClinVar aggregate classification (germline): Likely pathogenic (1 of 4 stars; one submission).

Conditions:
Corneal dystrophy-perceptive deafness syndrome (CDPD). Also called: CORNEAL DYSTROPHY AND SENSORINEURAL DEAFNESS; HARBOYAN SYNDROME. Identifiers: Orphanet 1490, MedGen C1857572, MONDO:0009015, OMIM 217400.

Submission:

Natera, Inc.
Classification: Likely pathogenic for Corneal dystrophy-perceptive deafness syndrome. Last evaluated: 2025-02-13. Review status: criteria provided, single submitter. Criteria: Natera Variant Classification Schema (03/2026). Collection method: clinical testing. Allele origin: germline.
Comment: The c.1790+24_1805del variant in SLC4A11 is a deletion affecting a canonical splice acceptor site. This variant is expected to result in nonsense mediated decay, truncation, or a dysfunctional protein product. This variant is rare in the general population with a frequency below the threshold expected for the associated phenotype(s). Given the available evidence, this variant is classified as Likely Pathogenic.